The following is an entry in ClinVar:

ClinVar aggregate classification (germline): Uncertain significance (1 of 4 stars; one submission).

Submission:

Dasa
Classification: Uncertain significance. Last evaluated: 2025-01-14. Review status: criteria provided, single submitter. Criteria: DASA Assertion Criteria. Collection method: clinical testing. Allele origin: germline.
Comment: NM_001164508.2(NEB):c.16909-10C>A is a splice-region variant. This variant has been observed in affected individuals with NEB-related disorders. Also, this variant is rare in population databases. Computational prediction algorithms are consistent with a benign effect. The currently available literature and clinical evidence are not sufficient to establish a definitive association between this variant and the reported condition. Therefore, this variant is classified as a variant of uncertain significance.

NM_001164508.2(NEB):c.16909-10C>A

Gene: NEB (nebulin; minus strand). Cytogenetic location: 2q23.3.
Variant type: single nucleotide variant.
Coding change: c.16909-10C>A on transcript NM_001164508.2 (MANE Select); 10 bases into the intron before coding-DNA position 16909, C replaced by A.
Molecular consequence: intron variant.
Genome position (GRCh38, 1-based): chr2:151,575,809, G>T on the plus strand (C>A on the coding strand, the complement: NEB is on the minus strand). VCF-style: chr2-151575809-G-T. GRCh37 (hg19) VCF-style: chr2-152432323-G-T.
Other names: c.11806-10C>A (NM_004543.5); c.16909-10C>A (NM_001164507.2, NM_001271208.2).
Identifiers: ClinVar variation 4885260 (VCV004885260.2).
Genomic context (GRCh38, chr2:151,575,809, plus strand): 5'-CATTATGTGTATTGAAGTTTTATCCTTGTCCCAAACCTCTCTGTACTTTGGCTGTGGAAA[G>T]AAACAAAAATAATAAAATTACTTCACAATTTTCATGTTGCTAGTCCCACTATGCAACTTT-3'